The following is an entry in ClinVar:

NM_000061.3(BTK):c.588+3A>G

Gene: BTK (Bruton tyrosine kinase; minus strand). Cytogenetic location: Xq22.1.
Variant type: single nucleotide variant.
Coding change: c.588+3A>G on transcript NM_000061.3 (MANE Select); 3 bases into the intron after coding-DNA position 588, A replaced by G.
Molecular consequence: intron variant.
Genome position (GRCh38, 1-based): chrX:101,362,170, T>C on the plus strand (A>G on the coding strand, the complement: BTK is on the minus strand). VCF-style: chrX-101362170-T-C. GRCh37 (hg19) VCF-style: chrX-100617158-T-C.
Other names: c.690+3A>G (NM_001287344.2); c.588+3A>G (NM_001287345.2).
Identifiers: ClinVar variation 3723401 (VCV003723401.2).

ClinVar aggregate classification (germline): Uncertain significance (1 of 4 stars; one submission).

Conditions:
X-linked agammaglobulinemia with growth hormone deficiency (IGHD3). Also called: Isolated growth hormone deficiency type 3; Growth hormone deficiency with hypogammaglobulinemia; AGAMMAGLOBULINEMIA AND ISOLATED GROWTH HORMONE DEFICIENCY, X-LINKED; FLEISHER SYNDROME; HYPOGAMMAGLOBULINEMIA AND ISOLATED GROWTH HORMONE DEFICIENCY, X-LINKED; IGHD III. Identifiers: Orphanet 231692, Orphanet 631, MedGen C0472813, MONDO:0010615, OMIM 307200.

Submission:

Labcorp Genetics (formerly Invitae), Labcorp
Classification: Uncertain significance for X-linked agammaglobulinemia with growth hormone deficiency. Last evaluated: 2025-02-19. Review status: criteria provided, single submitter. Criteria: Invitae Variant Classification Sherloc (09022015). Collection method: clinical testing. Allele origin: germline.
Comment: This sequence change falls in intron 7 of the BTK gene. It does not directly change the encoded amino acid sequence of the BTK protein. It affects a nucleotide within the consensus splice site. This variant is not present in population databases (gnomAD no frequency). This variant has not been reported in the literature in individuals affected with BTK-related conditions. Variants that disrupt the consensus splice site are a relatively common cause of aberrant splicing (PMID: 17576681, 9536098). Algorithms developed to predict the effect of sequence changes on RNA splicing suggest that this variant may disrupt the consensus splice site. In summary, the available evidence is currently insufficient to determine the role of this variant in disease. Therefore, it has been classified as a Variant of Uncertain Significance.

Literature cited by the submitters: PubMed 17576681; PubMed 9536098.